The following is an entry in ClinVar:

NM_001330078.2(NRXN1):c.3103A>G (p.Thr1035Ala)

Gene: NRXN1 (neurexin 1; minus strand). Cytogenetic location: 2p16.3.
Variant type: single nucleotide variant.
Coding change: c.3103A>G on transcript NM_001330078.2 (MANE Select); coding-DNA position 3103, A replaced by G.
Protein change: p.Thr1035Ala; replaces threonine 1035 with alanine.
Molecular consequence: missense variant.
Genome position (GRCh38, 1-based): chr2:50,472,439, T>C on the plus strand (A>G on the coding strand, the complement: NRXN1 is on the minus strand). VCF-style: chr2-50472439-T-C. GRCh37 (hg19) VCF-style: chr2-50699577-T-C.
Other names: c.3223A>G, p.Thr1075Ala (NM_001135659.3); c.3079A>G, p.Thr1027Ala (NM_001330077.2, NM_001330082.2); c.3037A>G, p.Thr1013Ala (NM_001330083.2, NM_001330084.2); c.3076A>G, p.Thr1026Ala (NM_001330085.2); c.3103A>G, p.Thr1035Ala (NM_001330086.2, NM_004801.6); c.2992A>G, p.Thr998Ala (NM_001330087.2, NM_001330096.2); c.3022A>G, p.Thr1008Ala (NM_001330088.2); c.3100A>G, p.Thr1034Ala (NM_001330093.2); and 2 more; short protein forms T1075A, T1013A, T1027A, T1035A, T998A, T1008A, T1018A, T1031A.
Identifiers: ClinVar variation 287664 (VCV000287664.15), dbSNP rs753262049, ClinGen allele CA1654656.

ClinVar aggregate classification (germline): Uncertain significance. Review status: criteria provided, multiple submitters, no conflicts (2 of 4 stars). 4 submissions from 4 submitters: Uncertain significance (4). Last evaluated 2026-01-29.

Conditions:
Inborn genetic diseases. Identifiers: MedGen C0950123, MeSH D030342.
Pitt-Hopkins-like syndrome 2 (PTHSL2). Identifiers: Orphanet 221150, Orphanet 600663, MedGen C3280479, MONDO:0013690, OMIM 614325.

Allele frequency attached by ClinVar (database versions not stated): TOPMed below 0.00001; ExAC 0.00001; gnomAD 0.00001; gnomAD exomes 0.00002 and 0.00009.
gnomAD v4.1: 126 of 1,612,076 alleles (0.0078%); highest among the groups gnomAD compares: Non-Finnish European, 0.011%; no homozygotes.

Submissions (4):

Labcorp Genetics (formerly Invitae), Labcorp
Classification: Uncertain significance for Pitt-Hopkins-like syndrome 2. Last evaluated: 2026-01-29. Review status: criteria provided, single submitter. Criteria: Invitae Variant Classification Sherloc (09022015). Collection method: clinical testing. Allele origin: germline.
Comment: This sequence change replaces threonine, which is neutral and polar, with alanine, which is neutral and non-polar, at codon 1075 of the NRXN1 protein (p.Thr1075Ala). This variant is present in population databases (rs753262049, gnomAD 0.006%). This variant has not been reported in the literature in individuals affected with NRXN1-related conditions. ClinVar contains an entry for this variant (Variation ID: 287664). An algorithm developed to predict the effect of missense changes on protein structure and function (PolyPhen-2) suggests that this variant is likely to be tolerated. In summary, the available evidence is currently insufficient to determine the role of this variant in disease. Therefore, it has been classified as a Variant of Uncertain Significance.

Ambry Genetics
Classification: Uncertain significance for Inborn genetic diseases. Last evaluated: 2024-01-09. Review status: criteria provided, single submitter. Criteria: Ambry Variant Classification Scheme 2023. Collection method: clinical testing. Allele origin: germline.

GeneDx
Classification: Uncertain significance. Last evaluated: 2017-07-11. Review status: criteria provided, single submitter. Criteria: GeneDx Variant Classification (06012015). Collection method: clinical testing. Allele origin: germline. Affected: yes.
Comment: The T1075A variant has not been published as a pathogenic variant, nor has it been reported as abenign variant to our knowledge. It is not observed at a significant frequency in large populationcohorts (Lek et al., 2016; 1000 Genomes Consortium et al., 2015; Exome Variant Server). Thisvariant is a non-conservative amino acid substitution that occurs at a position that is not conserved.In silico analysis is inconsistent in its predictions as to whether or not the variant is damaging to theprotein structure/function. Therefore, based on the currently available information, it is unclearwhether this variant is a pathogenic variant or a rare benign variant.

Eurofins Ntd Llc (ga)
Classification: Uncertain significance. Last evaluated: 2016-06-02. Review status: criteria provided, single submitter. Criteria: EGL Classification Definitions 2015. Collection method: clinical testing. Allele origin: germline. Observed: 1 variant allele, 1 heterozygote.